The following is an entry in ClinVar:

ClinVar aggregate classification (germline): Uncertain significance. Review status: criteria provided, single submitter (1 of 4 stars). 2 submissions from 2 submitters: Uncertain significance (1). 1 of the submissions does not count toward it. Last evaluated 2024-09-24.

Conditions:
PIEZO1-related disorder. Also called: PIEZO1-related condition; PIEZO1-Related Disorders.
Lymphatic malformation 6 (LMPHM6). Also called: GENERALIZED LYMPHATIC DYSPLASIA OF FOTIOU; Lymphedema, hereditary, III; PIEZO1-related generalized lymphatic dysplasia with non-immune hydrops fetalis. Identifiers: Orphanet 568062, MedGen C4225184, MONDO:0014797, OMIM 616843.

Allele frequency attached by ClinVar (database versions not stated): TOPMed below 0.00001; gnomAD 0.00001; 1000 Genomes Project 30x 0.00016; 1000 Genomes Project 0.00020; gnomAD exomes 0.00001; ExAC 0.00005.
gnomAD v4.1: 22 of 1,549,508 alleles (0.0014%); highest among the groups gnomAD compares: Non-Finnish European, 0.0017%; no homozygotes.

Submissions (2):

Clinical Genomics Laboratory, Washington University in St. Louis
Classification: Uncertain significance for Lymphatic malformation 6. Last evaluated: 2024-09-24. Review status: criteria provided, single submitter. Criteria: ACMG Guidelines, 2015. Collection method: clinical testing. Allele origin: germline.
Comment: A PIEZO1 c.3795C>T (p.Asp1265=) variant was identified at a heterozygous allelic fraction of 50%, a frequency that may be consistent with germline origin. This variant, to our knowledge, has not been reported in the medical literature. It has been reported in the ClinVar database as a germline likely benign variant by one submitter (Variation ID: 3030389). The PIEZO1 c.3795C>T (p.Asp1265=) variant is only observed on 22/1,549,508 alleles in the general population (gnomAD v.4.1.0). Due to limited information, and based on ACMG/AMP guidelines for variant interpretation (Richards S et al., PMID: 25741868), the clinical significance of this variant is uncertain at this time.

PreventionGenetics, part of Exact Sciences
Classification: Likely benign for PIEZO1-related condition. Last evaluated: 2021-04-06. Review status: no assertion criteria provided. Collection method: clinical testing. Allele origin: germline. Not counted in ClinVar's aggregate classification.
Comment: This variant is classified as likely benign based on ACMG/AMP sequence variant interpretation guidelines (Richards et al. 2015 PMID: 25741868, with internal and published modifications).

NM_001142864.4(PIEZO1):c.3795C>T (p.Asp1265=)

Gene: PIEZO1 (piezo type mechanosensitive ion channel component 1 (Er blood group); minus strand). Cytogenetic location: 16q24.3.
Variant type: single nucleotide variant.
Coding change: c.3795C>T on transcript NM_001142864.4 (MANE Select); coding-DNA position 3795, C replaced by T.
Protein change: p.Asp1265=; no amino-acid change (aspartic acid 1265 retained).
Molecular consequence: synonymous variant.
Genome position (GRCh38, 1-based): chr16:88,726,548, G>A on the plus strand (C>T on the coding strand, the complement: PIEZO1 is on the minus strand). VCF-style: chr16-88726548-G-A. GRCh37 (hg19) VCF-style: chr16-88792956-G-A.
Other names: c.2337C>T, p.Asp779= (NM_014745.1).
Identifiers: ClinVar variation 3030389 (VCV003030389.3), dbSNP rs551659571, ClinGen allele CA8232362.
Genomic context (GRCh38, chr16:88,726,548, plus strand): 5'-AGGGCCCAGGAGCAGGGGGCTTCCCCACGCCCTCCCCCGCCACCGTCCTGGCCACTCACG[G>A]TCATAGTAGCCCTTGACGGTGCATACAAGGCTGAAGAGCTGGATGACCCAGCAGAAGCCG-3'
Protein context (NP_001136336.2, residues 1255-1275): SLVCTVKGYY[Asp1265=]PKEMMDRDQD